The following is an entry in ClinVar:

ClinVar aggregate classification (germline): Uncertain significance (1 of 4 stars; one submission).

Conditions:
Hereditary cancer-predisposing syndrome. Also called: Tumor predisposition; Neoplastic Syndromes, Hereditary; Hereditary Cancer Syndrome; Hereditary neoplastic syndrome. Identifiers: Orphanet 140162, MedGen C0027672, MeSH D009386, MONDO:0015356.

gnomAD v4.1: 1 of 1,614,134 alleles (0.000062%); highest among the groups gnomAD compares: Non-Finnish European, 0.000085%; no homozygotes.

Submission:

Ambry Genetics
Classification: Uncertain significance for Hereditary cancer-predisposing syndrome. Last evaluated: 2024-09-01. Review status: criteria provided, single submitter. Criteria: Ambry Variant Classification Scheme 2023. Collection method: clinical testing. Allele origin: germline.
Comment: The p.F400S variant (also known as c.1199T>C), located in coding exon 12 of the FANCC gene, results from a T to C substitution at nucleotide position 1199. The phenylalanine at codon 400 is replaced by serine, an amino acid with highly dissimilar properties. This amino acid position is conserved. In addition, this alteration is predicted to be deleterious by in silico analysis. Based on the available evidence, the clinical significance of this variant remains unclear.

NM_000136.3(FANCC):c.1199T>C (p.Phe400Ser)

Genes: AOPEP (aminopeptidase O (putative); plus strand), FANCC (FA complementation group C; minus strand). Cytogenetic location: 9q22.32.
Variant type: single nucleotide variant.
Coding change: c.1199T>C on transcript NM_000136.3 (MANE Select); coding-DNA position 1199, T replaced by C.
Protein change: p.Phe400Ser; replaces phenylalanine 400 with serine.
Molecular consequence: missense variant.
Genome position (GRCh38, 1-based): chr9:95,111,593, A>G on the plus strand (T>C on the coding strand, the complement: FANCC is on the minus strand). VCF-style: chr9-95111593-A-G. GRCh37 (hg19) VCF-style: chr9-97873875-A-G.
Other names: c.1199T>C, p.Phe400Ser (NM_001243743.2, NM_001243744.2); short protein forms F400S.
Identifiers: ClinVar variation 3512776 (VCV003512776.1).
Genomic context (GRCh38, chr9:95,111,593, plus strand): 5'-GTGGGGGGTTCGGCTGCCGACATCAGTAATTGCTCTGCCACCATCTCAGCCCATCCTCCG[A>G]AGTGAATGAACAGGAACCAGCTCTCAAAGGGACCTCCGCAGGACCTGGAACAGAGGCAGA-3'
Protein context (NP_000127.2, residues 390-410): PFESWFLFIH[Phe400Ser]GGWAEMVAEQ